The following is an entry in ClinVar:

NM_004187.5(KDM5C):c.4039-4G>A

Gene: KDM5C (lysine demethylase 5C; minus strand). Cytogenetic location: Xp11.22.
Variant type: single nucleotide variant.
Coding change: c.4039-4G>A on transcript NM_004187.5 (MANE Select); 4 bases into the intron before coding-DNA position 4039, G replaced by A.
Molecular consequence: intron variant.
Genome position (GRCh38, 1-based): chrX:53,193,855, C>T on the plus strand (G>A on the coding strand, the complement: KDM5C is on the minus strand). VCF-style: chrX-53193855-C-T. GRCh37 (hg19) VCF-style: chrX-53223037-C-T.
Other names: c.4036-4G>A (NM_001353982.2, NM_001353979.2, NM_001282622.3); c.4039-4G>A (NM_001353981.2, NM_001353984.2, NM_001353978.3); c.3838-4G>A (NM_001146702.2).
Identifiers: ClinVar variation 1169650 (VCV001169650.37), dbSNP rs371746707, ClinGen allele CA10419143.

ClinVar aggregate classification (germline): Benign/Likely benign. Review status: criteria provided, multiple submitters, no conflicts (2 of 4 stars). 5 submissions from 5 submitters: Benign (2); Likely benign (3). Last evaluated 2026-01-25.

Conditions:
Inborn genetic diseases. Identifiers: MedGen C0950123, MeSH D030342.
Spastic paraplegia. Identifiers: MedGen C0037772, HP:0001258.

Allele frequency attached by ClinVar (database versions not stated): gnomAD exomes 0.00010 and 0.00021; TOPMed 0.00011; gnomAD 0.00017 and 0.00018; ExAC 0.00040; ESP Exome Variant Server 0.00047.
gnomAD v4.1: 134 of 1,203,229 alleles (0.011%); highest among the groups gnomAD compares: Non-Finnish European, 0.013%; no homozygotes.

Submissions (5):

Labcorp Genetics (formerly Invitae), Labcorp
Classification: Benign for Spastic paraplegia. Last evaluated: 2026-01-25. Review status: criteria provided, single submitter. Criteria: Invitae Variant Classification Sherloc (09022015). Collection method: clinical testing. Allele origin: germline.

Laboratory of Genetics, Children's Clinical University Hospital Latvia
Classification: Likely benign. Last evaluated: 2025-02-16. Review status: criteria provided, single submitter. Criteria: ACMG Guidelines, 2015. Collection method: clinical testing. Allele origin: germline. Affected: yes.

Blueprint Genetics
Classification: Likely benign. Last evaluated: 2024-06-10. Review status: criteria provided, single submitter. Criteria: ACMG Guidelines, 2015. Collection method: clinical testing. Allele origin: germline.

CeGaT Center for Human Genetics Tuebingen
Classification: Likely benign. Last evaluated: 2023-10-01. Review status: criteria provided, single submitter. Criteria: CeGaT Center For Human Genetics Tuebingen Variant Classification Criteria Version 2. Collection method: clinical testing. Allele origin: germline. Affected: yes. Observed: 3 variant alleles.
Comment: KDM5C: BP4, BS2

Ambry Genetics
Classification: Benign for Inborn genetic diseases. Last evaluated: 2017-07-21. Review status: criteria provided, single submitter. Criteria: Ambry Variant Classification Scheme 2023. Collection method: clinical testing. Allele origin: germline.